The following is an entry in ClinVar:

NM_032638.5(GATA2):c.560C>T (p.Thr187Ile)

Gene: GATA2 (GATA binding protein 2; minus strand). Cytogenetic location: 3q21.3.
Variant type: single nucleotide variant.
Coding change: c.560C>T on transcript NM_032638.5 (MANE Select); coding-DNA position 560, C replaced by T.
Protein change: p.Thr187Ile; replaces threonine 187 with isoleucine.
Molecular consequence: missense variant.
Genome position (GRCh38, 1-based): chr3:128,486,038, G>A on the plus strand (C>T on the coding strand, the complement: GATA2 is on the minus strand). VCF-style: chr3-128486038-G-A. GRCh37 (hg19) VCF-style: chr3-128204881-G-A.
Other names: c.560C>T, p.Thr187Ile (NM_001145661.2, NM_001145662.1); short protein forms T187I.
Identifiers: ClinVar variation 2197974 (VCV002197974.4), dbSNP rs1553770972, ClinGen allele CA354406513.

ClinVar aggregate classification (germline): Uncertain significance (1 of 4 stars; one submission).

Conditions:
Monocytopenia with susceptibility to infections. Also called: MONOCYTOPENIA AND MYCOBACTERIAL INFECTION SYNDROME; MONOCYTOPENIA WITH SUSCEPTIBILITY TO MYCOBACTERIAL, FUNGAL, AND PAPILLOMAVIRUS INFECTIONS AND MYELODYSPLASIA; COMBINED IMMUNODEFICIENCY WITH SUSCEPTIBILITY TO MYCOBACTERIAL, VIRAL, AND FUNGAL INFECTIONS; Dendritic cell, monocyte, B lymphocyte, and natural killer lymphocyte deficiency; IMMUNODEFICIENCY 21; GATA2 DEFICIENCY. Identifiers: Orphanet 228423, MedGen C3280030, MONDO:0013607, OMIM 614172.
Deafness-lymphedema-leukemia syndrome. Also called: Lymphedema, primary, with myelodysplasia; Emberger syndrome. Identifiers: Orphanet 3226, MedGen C3279664, MONDO:0013540, OMIM 614038.

Allele frequency attached by ClinVar (database versions not stated): gnomAD exomes below 0.00001.
gnomAD v4.1: 1 of 1,614,144 alleles (0.000062%); highest among the groups gnomAD compares: Non-Finnish European, 0.000085%; no homozygotes.

Submission:

Labcorp Genetics (formerly Invitae), Labcorp
Classification: Uncertain significance for Monocytopenia with susceptibility to infections; Deafness-lymphedema-leukemia syndrome. Last evaluated: 2024-04-22. Review status: criteria provided, single submitter. Criteria: Invitae Variant Classification Sherloc (09022015). Collection method: clinical testing. Allele origin: germline.
Comment: This sequence change replaces threonine, which is neutral and polar, with isoleucine, which is neutral and non-polar, at codon 187 of the GATA2 protein (p.Thr187Ile). This variant is not present in population databases (gnomAD no frequency). This variant has not been reported in the literature in individuals affected with GATA2-related conditions. ClinVar contains an entry for this variant (Variation ID: 2197974). Advanced modeling of protein sequence and biophysical properties (such as structural, functional, and spatial information, amino acid conservation, physicochemical variation, residue mobility, and thermodynamic stability) performed at Invitae indicates that this missense variant is not expected to disrupt GATA2 protein function with a negative predictive value of 95%. In summary, the available evidence is currently insufficient to determine the role of this variant in disease. Therefore, it has been classified as a Variant of Uncertain Significance.